The following is an entry in ClinVar:

NM_001008537.3(NEXMIF):c.2486G>T (p.Ser829Ile)

Gene: NEXMIF (neurite extension and migration factor; minus strand). Cytogenetic location: Xq13.3.
Variant type: single nucleotide variant.
Coding change: c.2486G>T on transcript NM_001008537.3 (MANE Select); coding-DNA position 2486, G replaced by T.
Protein change: p.Ser829Ile; replaces serine 829 with isoleucine.
Molecular consequence: missense variant.
Genome position (GRCh38, 1-based): chrX:74,742,071, C>A on the plus strand (G>T on the coding strand, the complement: NEXMIF is on the minus strand). VCF-style: chrX-74742071-C-A. GRCh37 (hg19) VCF-style: chrX-73961906-C-A.
Other names: short protein forms S829I.
Identifiers: ClinVar variation 647340 (VCV000647340.8), dbSNP rs1602211742, ClinGen allele CA413668118.

ClinVar aggregate classification (germline): Uncertain significance (1 of 4 stars; one submission).

Allele frequency attached by ClinVar (database versions not stated): gnomAD exomes 0.00001.
gnomAD v4.1: 4 of 1,211,508 alleles (0.00033%); highest among the groups gnomAD compares: Non-Finnish European, 0.00045%; no homozygotes.

Submission:

Labcorp Genetics (formerly Invitae), Labcorp
Classification: Uncertain significance. Last evaluated: 2018-11-01. Review status: criteria provided, single submitter. Criteria: Invitae Variant Classification Sherloc (09022015). Collection method: clinical testing. Allele origin: germline.
Comment: Algorithms developed to predict the effect of missense changes on protein structure and function are either unavailable or do not agree on the potential impact of this missense change (SIFT: "Deleterious"; PolyPhen-2: "Benign"; Align-GVGD: "Class C15"). In summary, the available evidence is currently insufficient to determine the role of this variant in disease. Therefore, it has been classified as a Variant of Uncertain Significance. This variant has not been reported in the literature in individuals with NEXMIF-related disease. This variant is not present in population databases (ExAC no frequency). This sequence change replaces serine with isoleucine at codon 829 of the NEXMIF protein (p.Ser829Ile). The serine residue is weakly conserved and there is a large physicochemical difference between serine and isoleucine.